The following is an entry in ClinVar:

NM_173354.5(SIK1):c.2149G>A (p.Gly717Ser)

Gene: SIK1 (salt inducible kinase 1; minus strand). Cytogenetic location: 21q22.3.
Variant type: single nucleotide variant.
Coding change: c.2149G>A on transcript NM_173354.5 (MANE Select); coding-DNA position 2149, G replaced by A.
Protein change: p.Gly717Ser; replaces glycine 717 with serine.
Molecular consequence: missense variant.
Genome position (GRCh38, 1-based): chr21:43,416,945, C>T on the plus strand (G>A on the coding strand, the complement: SIK1 is on the minus strand). VCF-style: chr21-43416945-C-T. GRCh37 (hg19) VCF-style: chr21-44836825-C-T.
Other names: short protein forms G717S.
Identifiers: ClinVar variation 1057140 (VCV001057140.12), dbSNP rs766433765, ClinGen allele CA321324414.

ClinVar aggregate classification (germline): Uncertain significance (1 of 4 stars; one submission).

Conditions:
Developmental and epileptic encephalopathy, 30 (DEE30). Also called: Epileptic encephalopathy, early infantile, 30. Identifiers: MedGen C4225360, MONDO:0014595, OMIM 616341.

Allele frequency attached by ClinVar (database versions not stated): gnomAD exomes 0.00003.

Submission:

Labcorp Genetics (formerly Invitae), Labcorp
Classification: Uncertain significance for Developmental and epileptic encephalopathy, 30. Last evaluated: 2022-11-06. Review status: criteria provided, single submitter. Criteria: Invitae Variant Classification Sherloc (09022015). Collection method: clinical testing. Allele origin: germline.
Comment: In summary, the available evidence is currently insufficient to determine the role of this variant in disease. Therefore, it has been classified as a Variant of Uncertain Significance. Advanced modeling of protein sequence and biophysical properties (such as structural, functional, and spatial information, amino acid conservation, physicochemical variation, residue mobility, and thermodynamic stability) performed at Invitae indicates that this missense variant is not expected to disrupt SIK1 protein function. ClinVar contains an entry for this variant (Variation ID: 1057140). This variant has not been reported in the literature in individuals affected with SIK1-related conditions. The frequency data for this variant in the population databases is considered unreliable, as metrics indicate poor data quality at this position in the gnomAD database. This sequence change replaces glycine, which is neutral and non-polar, with serine, which is neutral and polar, at codon 717 of the SIK1 protein (p.Gly717Ser).